The following is an entry in ClinVar:

ClinVar aggregate classification (germline): Uncertain significance (1 of 4 stars; one submission).

Submission:

Ambry Genetics
Classification: Uncertain significance. Last evaluated: 2022-10-14. Review status: criteria provided, single submitter. Criteria: Ambry Variant Classification Scheme 2023. Collection method: clinical testing. Allele origin: germline.
Comment: The p.G99A variant (also known as c.296G>C), located in coding exon 5 of the RAD54L gene, results from a G to C substitution at nucleotide position 296. The glycine at codon 99 is replaced by alanine, an amino acid with similar properties. This amino acid position is conserved. In addition, this alteration is predicted to be deleterious by in silico analysis. Since supporting evidence is limited at this time, the clinical significance of this alteration remains unclear.

NM_003579.4(RAD54L):c.296G>C (p.Gly99Ala)

Gene: RAD54L (RAD54 like; plus strand). Cytogenetic location: 1p34.1.
Variant type: single nucleotide variant.
Coding change: c.296G>C on transcript NM_003579.4 (MANE Select); coding-DNA position 296, G replaced by C.
Protein change: p.Gly99Ala; replaces glycine 99 with alanine.
Molecular consequence: missense variant. On other transcripts: 5 prime UTR variant (1).
Genome position (GRCh38, 1-based): chr1:46,259,988, G>C. VCF-style: chr1-46259988-G-C. GRCh37 (hg19) VCF-style: chr1-46725660-G-C.
Other names: c.296G>C, p.Gly99Ala (NM_001142548.2); c.-245G>C (NM_001370766.1); short protein forms G99A.
Identifiers: ClinVar variation 1798270 (VCV001798270.2), dbSNP rs2148286940, ClinGen allele CA340181731.